The following is an entry in ClinVar:

NM_001379110.1(SLC9A6):c.1951G>A (p.Val651Ile)

Gene: SLC9A6 (solute carrier family 9 member A6; plus strand). Cytogenetic location: Xq26.3.
Variant type: single nucleotide variant.
Coding change: c.1951G>A on transcript NM_001379110.1 (MANE Select); coding-DNA position 1951, G replaced by A.
Protein change: p.Val651Ile; replaces valine 651 with isoleucine.
Molecular consequence: missense variant.
Genome position (GRCh38, 1-based): chrX:136,044,635, G>A. VCF-style: chrX-136044635-G-A. GRCh37 (hg19) VCF-style: chrX-135126794-G-A.
Other names: c.1861G>A, p.Val621Ile (NM_001400911.1, NM_001400912.1, NM_001177651.2 and 2 more transcripts); c.1765G>A, p.Val589Ile (NM_001400913.1, NM_001330652.2); c.1921G>A, p.Val641Ile (NM_006359.3); c.2017G>A, p.Val673Ile (NM_001042537.2); short protein forms V589I, V621I, V641I, V651I, V673I.
Identifiers: ClinVar variation 2052368 (VCV002052368.4), dbSNP rs2521486045, ClinGen allele CA414757188.
Genomic context (GRCh38, chrX:136,044,635, plus strand): 5'-ATGGGAAACAGTTCTGAAGATGCCTTGGATCGGGAGCTTGCATTTGGGGACCATGAACTG[G>A]TCATTCGAGGAACACGCCTGGTTCTTCCAATGGATGATTCTGAACCCCCGCTAAATTTGT-3'
Protein context (NP_001366039.1, residues 641-661): RELAFGDHEL[Val651Ile]IRGTRLVLPM

ClinVar aggregate classification (germline): Uncertain significance (1 of 4 stars; one submission).

Conditions:
Christianson syndrome (MRXSCH). Also called: INTELLECTUAL DEVELOPMENTAL DISORDER, X-LINKED, SYNDROMIC, CHRISTIANSON TYPE; X-linked mental retardation, syndromic, Christianson type; SLC9A6-Related Syndromic Mental Retardation. Identifiers: Orphanet 85278, MedGen C2678194, MONDO:0010278, OMIM 300243.

Submission:

Labcorp Genetics (formerly Invitae), Labcorp
Classification: Uncertain significance for Christianson syndrome. Last evaluated: 2022-07-07. Review status: criteria provided, single submitter. Criteria: Invitae Variant Classification Sherloc (09022015). Collection method: clinical testing. Allele origin: germline.
Comment: In summary, the available evidence is currently insufficient to determine the role of this variant in disease. Therefore, it has been classified as a Variant of Uncertain Significance. Algorithms developed to predict the effect of missense changes on protein structure and function (SIFT, PolyPhen-2, Align-GVGD) all suggest that this variant is likely to be tolerated. This variant has not been reported in the literature in individuals affected with SLC9A6-related conditions. This variant is not present in population databases (gnomAD no frequency). This sequence change replaces valine, which is neutral and non-polar, with isoleucine, which is neutral and non-polar, at codon 641 of the SLC9A6 protein (p.Val641Ile).